The following is an entry in ClinVar:

NM_000138.5(FBN1):c.1037_1046dup (p.Leu349_Pro350insTer)

Genes: FBN1 (fibrillin 1; minus strand), LOC113939944 (Sharpr-MPRA regulatory region 9539; plus strand). Cytogenetic location: 15q21.1.
Variant type: Duplication.
Coding change: c.1037_1046dup on transcript NM_000138.5 (MANE Select); coding-DNA positions 1037 to 1046, 10 bases duplicated (CTAACCAGCT; older notation c.1037_1046dupCTAACCAGCT).
Protein change: p.Leu349_Pro350insTer.
Molecular consequence: nonsense, inframe insertion.
Genome position (GRCh38, 1-based): chr15:48,520,760-48,520,769, AGCTGGTTAG duplicated on the plus strand (CTAACCAGCT on the coding strand, the reverse complement: FBN1 is on the minus strand); duplicating any 10 consecutive bases within chr15:48,520,760-48,520,772 gives the same sequence; the c. name uses the placement nearest the transcript's 3' end. VCF-style (leftmost placement, unchanged base first): chr15-48520759-C-CAGCTGGTTAG. GRCh37 (hg19) VCF-style: chr15-48812956-C-CAGCTGGTTAG.
Other names: c.1037_1046dup, p.Leu349_Pro350insTer (NM_001406716.1).
Identifiers: ClinVar variation 3756536 (VCV003756536.2).
Genomic context (GRCh38, chr15:48,520,759, plus strand): 5'-CCCTGGAGACCAGCATCGGCCGGCATCACAGCAGCACTGCATTTTGGTTATGGACTGTGG[C>CAGCTGGTTAG]AGCTGGTTAGAGCAGCGCCCGTTTGTCAGAGCTGTGTAACAGTATCCTGGGCGAACATCT-3'

ClinVar aggregate classification (germline): Pathogenic (1 of 4 stars; one submission).

Conditions:
Marfan syndrome (MFS). Also called: MARFAN SYNDROME, TYPE I; Marfan syndrome type 1; Marfan's syndrome; Marfan syndrome, classic; FBN1-Related Marfan Syndrome. Identifiers: Orphanet 284963, Orphanet 558, MedGen C0024796, MONDO:0007947, OMIM 154700.
Familial thoracic aortic aneurysm and aortic dissection (TAAD). Also called: Thoracic aortic aneurysms and dissections. Identifiers: Orphanet 91387, MedGen C4707243, MONDO:0019625.

Submission:

Labcorp Genetics (formerly Invitae), Labcorp
Classification: Pathogenic for Marfan syndrome; Familial thoracic aortic aneurysm and aortic dissection. Last evaluated: 2024-05-25. Review status: criteria provided, single submitter. Criteria: Invitae Variant Classification Sherloc (09022015). Collection method: clinical testing. Allele origin: germline.
Comment: This sequence change creates a premature translational stop signal (p.Pro350*) in the FBN1 gene. It is expected to result in an absent or disrupted protein product. Loss-of-function variants in FBN1 are known to be pathogenic (PMID: 17657824, 19293843). This variant is not present in population databases (gnomAD no frequency). This variant has not been reported in the literature in individuals affected with FBN1-related conditions. For these reasons, this variant has been classified as Pathogenic.

Literature cited by the submitters: PubMed 17657824; PubMed 19293843.